The following is an entry in ClinVar:

ClinVar aggregate classification (germline): Pathogenic (1 of 4 stars; one submission).

Conditions:
Usher syndrome type 1 (USH1). Also called: RETINITIS PIGMENTOSA AND CONGENITAL DEAFNESS. Identifiers: Orphanet 231169, Orphanet 886, MedGen C1568247, MONDO:0010168, OMIM 276900.

Submission:

Myriad Genetics, Inc.
Classification: Pathogenic for Usher syndrome type 1. Last evaluated: 2025-05-23. Review status: criteria provided, single submitter. Criteria: Myriad Autosomal Dominant, Autosomal Recessive and X-Linked Classification Criteria (2023). Collection method: clinical testing. Allele origin: unknown.
Comment: NM_000260.3(MYO7A):c.1662dupT(A555Cfs*7) is expected to be pathogenic in the context of MYO7A-related disorders. This variant is predicted to lead to an abnormal or absent protein product due to the creation of a premature termination codon in MYO7A, a gene where loss-of-function variants are known to be pathogenic. Please note: this variant was assessed in the context of healthy population screening.

NM_000260.4(MYO7A):c.1662dup (p.Ala555fs)

Gene: MYO7A (myosin VIIA; plus strand). Cytogenetic location: 11q13.5.
Variant type: Duplication.
Coding change: c.1662dup on transcript NM_000260.4 (MANE Select); coding-DNA position 1662, one base duplicated (T; older notation c.1662dupT).
Protein change: p.Ala555fs; shifts the reading frame from alanine 555.
Molecular consequence: frameshift variant.
Genome position (GRCh38, 1-based): chr11:77,162,960, T duplicated; the last of 4 consecutive T bases (chr11:77,162,957-77,162,960); duplicating any one gives the same sequence. VCF-style (leftmost placement, unchanged base first): chr11-77162956-A-AT. GRCh37 (hg19) VCF-style: chr11-76874002-A-AT.
Other names: c.1662dup, p.Ala555fs (NM_001127180.2); c.1629dup, p.Ala544fs (NM_001369365.1); short protein forms A544fs, A555fs.
Identifiers: ClinVar variation 5014500 (VCV005014500.1).